The following is an entry in ClinVar:

ClinVar aggregate classification (germline): Uncertain significance. Review status: criteria provided, single submitter (1 of 4 stars). 2 submissions from 2 submitters: Uncertain significance (1). 1 of the submissions does not count toward it. Last evaluated 2022-05-23.

Conditions:
Renal carnitine transport defect (CDSP). Also called: CARNITINE DEFICIENCY, SYSTEMIC, DUE TO DEFECT IN RENAL REABSORPTION OF CARNITINE; CARNITINE TRANSPORTER, PLASMA-MEMBRANE, DEFICIENCY OF; CARNITINE UPTAKE DEFECT; Carnitine Deficiency, Systemic; Systemic primary carnitine deficiency disease; Primary carnitine deficiency. Identifiers: Orphanet 158, MedGen C0342788, MONDO:0008919, OMIM 212140.
Carnitine deficiency. Identifiers: MedGen C1142132.

Submissions (2):

Labcorp Genetics (formerly Invitae), Labcorp
Classification: Uncertain significance for Renal carnitine transport defect. Last evaluated: 2022-05-23. Review status: criteria provided, single submitter. Criteria: Invitae Variant Classification Sherloc (09022015). Collection method: clinical testing. Allele origin: germline.
Comment: This variant is not present in population databases (gnomAD no frequency). This variant has not been reported in the literature in individuals affected with SLC22A5-related conditions. Advanced modeling of protein sequence and biophysical properties (such as structural, functional, and spatial information, amino acid conservation, physicochemical variation, residue mobility, and thermodynamic stability) performed at Invitae indicates that this missense variant is expected to disrupt SLC22A5 protein function. In summary, the available evidence is currently insufficient to determine the role of this variant in disease. Therefore, it has been classified as a Variant of Uncertain Significance. This sequence change replaces asparagine, which is neutral and polar, with lysine, which is basic and polar, at codon 460 of the SLC22A5 protein (p.Asn460Lys).

Natera, Inc.
Classification: Uncertain significance for Carnitine deficiency. Last evaluated: 2025-04-28. Review status: no assertion criteria provided. Collection method: clinical testing. Allele origin: germline. Not counted in ClinVar's aggregate classification.

NM_003060.4(SLC22A5):c.1380C>A (p.Asn460Lys)

Gene: SLC22A5 (solute carrier family 22 member 5; plus strand). Cytogenetic location: 5q31.1.
Variant type: single nucleotide variant.
Coding change: c.1380C>A on transcript NM_003060.4 (MANE Select); coding-DNA position 1380, C replaced by A.
Protein change: p.Asn460Lys; replaces asparagine 460 with lysine.
Molecular consequence: missense variant.
Genome position (GRCh38, 1-based): chr5:132,392,545, C>A. VCF-style: chr5-132392545-C-A. GRCh37 (hg19) VCF-style: chr5-131728237-C-A.
Other names: c.1452C>A, p.Asn484Lys (NM_001308122.2); c.1380C>A (NM_003060.3); short protein forms N484K, N460K.
Identifiers: ClinVar variation 1913821 (VCV001913821.6), dbSNP rs149521997, ClinGen allele CA360809008.